The following is an entry in ClinVar:

NM_004304.5(ALK):c.4060T>C (p.Cys1354Arg)

Gene: ALK (ALK receptor tyrosine kinase; minus strand). Cytogenetic location: 2p23.2.
Variant type: single nucleotide variant.
Coding change: c.4060T>C on transcript NM_004304.5 (MANE Select); coding-DNA position 4060, T replaced by C.
Protein change: p.Cys1354Arg; replaces cysteine 1354 with arginine.
Molecular consequence: missense variant.
Genome position (GRCh38, 1-based): chr2:29,197,555, A>G on the plus strand (T>C on the coding strand, the complement: ALK is on the minus strand). VCF-style: chr2-29197555-A-G. GRCh37 (hg19) VCF-style: chr2-29420421-A-G.
Other names: c.856T>C, p.Cys286Arg (NM_001353765.2); short protein forms C286R, C1354R.
Identifiers: ClinVar variation 846308 (VCV000846308.9), dbSNP rs1669054082, ClinGen allele CA346465823.

ClinVar aggregate classification (germline): Uncertain significance (1 of 4 stars; one submission).

Conditions:
Neuroblastoma, susceptibility to, 3. Also called: ALK-Related Neuroblastic Tumor Susceptibility. Identifiers: Orphanet 635, MedGen C2751681, MONDO:0013083, OMIM 613014.

Submission:

Labcorp Genetics (formerly Invitae), Labcorp
Classification: Uncertain significance for Neuroblastoma, susceptibility to, 3. Last evaluated: 2023-07-07. Review status: criteria provided, single submitter. Criteria: Invitae Variant Classification Sherloc (09022015). Collection method: clinical testing. Allele origin: germline.
Comment: In summary, the available evidence is currently insufficient to determine the role of this variant in disease. Therefore, it has been classified as a Variant of Uncertain Significance. An algorithm developed to predict the effect of missense changes on protein structure and function (PolyPhen-2) suggests that this variant is likely to be disruptive. ClinVar contains an entry for this variant (Variation ID: 846308). This variant has not been reported in the literature in individuals affected with ALK-related conditions. This variant is not present in population databases (gnomAD no frequency). This sequence change replaces cysteine, which is neutral and slightly polar, with arginine, which is basic and polar, at codon 1354 of the ALK protein (p.Cys1354Arg).